The following is an entry in ClinVar:

NM_005159.5(ACTC1):c.1038C>T (p.Ser346=)

Genes: ACTC1 (actin alpha cardiac muscle 1; minus strand), GJD2-DT (GJD2 divergent transcript; plus strand). Cytogenetic location: 15q14.
Variant type: single nucleotide variant.
Coding change: c.1038C>T on transcript NM_005159.5 (MANE Select); coding-DNA position 1038, C replaced by T.
Protein change: p.Ser346=; no amino-acid change (serine 346 retained).
Molecular consequence: synonymous variant.
Genome position (GRCh38, 1-based): chr15:34,790,508, G>A on the plus strand (C>T on the coding strand, the complement: ACTC1 is on the minus strand). VCF-style: chr15-34790508-G-A. GRCh37 (hg19) VCF-style: chr15-35082709-G-A.
Other names: c.1038C>T (LRG_388t1).
Identifiers: ClinVar variation 626825 (VCV000626825.16), dbSNP rs748062476, ClinGen allele CA040618.

ClinVar aggregate classification (germline): Likely benign. Review status: criteria provided, multiple submitters, no conflicts (2 of 4 stars). 5 submissions from 5 submitters: Likely benign (5). Last evaluated 2025-04-16.

Conditions:
Hypertrophic cardiomyopathy 11. Also called: ACTC1-Related Familial Hypertrophic Cardiomyopathy. Identifiers: MedGen C2677506, MONDO:0012799, OMIM 612098.
Dilated cardiomyopathy 1R (CMD1R). Identifiers: Orphanet 154, Orphanet 54260, MedGen C3150681, MONDO:0013261, OMIM 613424.
Atrial septal defect 5 (ASD5). Identifiers: Orphanet 1478, MedGen C2748552, MONDO:0013011, OMIM 612794.
Cardiovascular phenotype. Identifiers: MedGen CN230736.
Cardiomyopathy (CMYO). Also called: Cardiomyopathies. Identifiers: Orphanet 167848, MedGen C0878544, MONDO:0004994, HP:0001638. Inheritance: Various modes of inheritance.
Hypertrophic cardiomyopathy. Also called: HYPERTROPHIC MYOCARDIOPATHY. Identifiers: Orphanet 217569, MedGen C0007194, MeSH D002312, MONDO:0005045, HP:0001639.

Allele frequency attached by ClinVar (database versions not stated): gnomAD exomes below 0.00001 and 0.00001; TOPMed below 0.00001; ExAC 0.00001.
gnomAD v4.1: 8 of 1,614,126 alleles (0.0005%); highest among the groups gnomAD compares: Non-Finnish European, 0.00068%; no homozygotes.

Submissions (5):

CHEO Genetics Diagnostic Laboratory, Children's Hospital of Eastern Ontario
Classification: Likely benign for Cardiomyopathy. Last evaluated: 2025-04-16. Review status: criteria provided, single submitter. Criteria: ACMG Guidelines, 2015. Collection method: clinical testing. Allele origin: germline. Inheritance: Autosomal dominant inheritance. Study: Canadian Open Genetics Repository.
Comment: This variant is not expected to have a clinical significance (likely benign) because it does not alter the protein sequence and it is not located within the splice consensus sequence, it is not predicted to have a significant effect on splicing, and this nucleotide is not highly conserved. This variant is listed in ClinVar (VCV000626825). This variant has an allele frequency or Grpmax Filtering Allele Frequency less than 0.03% in one or multiple control populations (gnomAD database).

Labcorp Genetics (formerly Invitae), Labcorp
Classification: Likely benign for Dilated cardiomyopathy 1R; Hypertrophic cardiomyopathy 11; Atrial septal defect 5. Last evaluated: 2025-03-25. Review status: criteria provided, single submitter. Criteria: Invitae Variant Classification Sherloc (09022015). Collection method: clinical testing. Allele origin: germline.

All of Us Research Program, National Institutes of Health
Classification: Likely benign for Hypertrophic cardiomyopathy. Last evaluated: 2023-12-18. Review status: criteria provided, single submitter. Criteria: ACMG Guidelines, 2015. Collection method: clinical testing. Allele origin: germline. Inheritance: Autosomal dominant inheritance. Observed: 3 variant alleles, 3 heterozygotes.
Comment: This study involves interpretation of variants in research participants for the purpose of population health screening. Participant phenotype was not available at the time of variant classification. Additional details can be found in publication PMID: 35346344, PMCID: PMC8962531

Ambry Genetics
Classification: Likely benign for Cardiovascular phenotype. Last evaluated: 2022-01-30. Review status: criteria provided, single submitter. Criteria: Ambry Variant Classification Scheme 2023. Collection method: clinical testing. Allele origin: germline.

Color Diagnostics, LLC DBA Color Health
Classification: Likely benign for Cardiomyopathy. Last evaluated: 2018-11-25. Review status: criteria provided, single submitter. Criteria: ACMG Guidelines, 2015. Collection method: clinical testing. Allele origin: germline.